The following is an entry in ClinVar:

ClinVar aggregate classification (germline): Uncertain significance (1 of 4 stars; one submission).

Submission:

GeneDx
Classification: Uncertain significance. Last evaluated: 2025-01-08. Review status: criteria provided, single submitter. Criteria: GeneDx Variant Classification Process June 2021. Collection method: clinical testing. Allele origin: germline. Affected: yes.
Comment: Not observed at significant frequency in large population cohorts (gnomAD); In silico analysis supports that this missense variant has a deleterious effect on protein structure/function; Has not been previously published as pathogenic or benign to our knowledge

NM_014232.3(VAMP2):c.204T>G (p.Asp68Glu)

Gene: VAMP2 (vesicle associated membrane protein 2; minus strand). Cytogenetic location: 17p13.1.
Variant type: single nucleotide variant.
Coding change: c.204T>G on transcript NM_014232.3 (MANE Select); coding-DNA position 204, T replaced by G.
Protein change: p.Asp68Glu; replaces aspartic acid 68 with glutamic acid.
Molecular consequence: missense variant.
Genome position (GRCh38, 1-based): chr17:8,161,686, A>C on the plus strand (T>G on the coding strand, the complement: VAMP2 is on the minus strand). VCF-style: chr17-8161686-A-C. GRCh37 (hg19) VCF-style: chr17-8065004-A-C.
Other names: c.210T>G, p.Asp70Glu (NM_001330125.1); short protein forms D68E, D70E.
Identifiers: ClinVar variation 4056984 (VCV004056984.1).